The following is an entry in ClinVar:

NM_001035.3(RYR2):c.14757-4G>A

Gene: RYR2 (ryanodine receptor 2; plus strand). Cytogenetic location: 1q43.
Variant type: single nucleotide variant.
Coding change: c.14757-4G>A on transcript NM_001035.3 (MANE Select); 4 bases into the intron before coding-DNA position 14757, G replaced by A.
Molecular consequence: intron variant.
Genome position (GRCh38, 1-based): chr1:237,831,510, G>A. VCF-style: chr1-237831510-G-A. GRCh37 (hg19) VCF-style: chr1-237994810-G-A.
Identifiers: ClinVar variation 3073276 (VCV003073276.1), dbSNP rs2528486583, ClinGen allele CA2651218199.

ClinVar aggregate classification (germline): Likely benign (1 of 4 stars; one submission).

Conditions:
Catecholaminergic polymorphic ventricular tachycardia (CVPT). Also called: Catecholamine-induced polymorphic ventricular tachycardia. Identifiers: Orphanet 3286, MedGen C5574922, MONDO:0017990.

gnomAD v4.1: 4 of 1,522,782 alleles (0.00026%); highest among the groups gnomAD compares: Non-Finnish European, 0.00027%; no homozygotes.

Submission:

All of Us Research Program, National Institutes of Health
Classification: Likely benign for Catecholaminergic polymorphic ventricular tachycardia. Last evaluated: 2023-08-28. Review status: criteria provided, single submitter. Criteria: ACMG Guidelines, 2015. Collection method: clinical testing. Allele origin: germline. Inheritance: Autosomal dominant inheritance. Observed: 1 variant allele, 1 heterozygote.
Comment: This study involves interpretation of variants in research participants for the purpose of population health screening. Participant phenotype was not available at the time of variant classification. Additional details can be found in publication PMID: 35346344, PMCID: PMC8962531